The following is an entry in ClinVar:

ClinVar aggregate classification (germline): Uncertain significance (1 of 4 stars; one submission).

Allele frequency attached by ClinVar (database versions not stated): gnomAD 0.00001.
gnomAD v4.1: 1 of 1,614,038 alleles (0.000062%); highest among the groups gnomAD compares: African/African-American, 0.0013%; no homozygotes.

Submission:

Labcorp Genetics (formerly Invitae), Labcorp
Classification: Uncertain significance. Last evaluated: 2022-08-19. Review status: criteria provided, single submitter. Criteria: Invitae Variant Classification Sherloc (09022015). Collection method: clinical testing. Allele origin: germline.
Comment: Algorithms developed to predict the effect of missense changes on protein structure and function are either unavailable or do not agree on the potential impact of this missense change (SIFT: "Tolerated"; PolyPhen-2: "Probably Damaging"; Align-GVGD: "Class C0"). In summary, the available evidence is currently insufficient to determine the role of this variant in disease. Therefore, it has been classified as a Variant of Uncertain Significance. This sequence change replaces threonine, which is neutral and polar, with serine, which is neutral and polar, at codon 120 of the NEUROG3 protein (p.Thr120Ser). This variant is not present in population databases (gnomAD no frequency). This variant has not been reported in the literature in individuals affected with NEUROG3-related conditions. ClinVar contains an entry for this variant (Variation ID: 1394971).

NM_020999.4(NEUROG3):c.359C>G (p.Thr120Ser)

Gene: NEUROG3 (neurogenin 3; minus strand). Cytogenetic location: 10q22.1.
Variant type: single nucleotide variant.
Coding change: c.359C>G on transcript NM_020999.4 (MANE Select); coding-DNA position 359, C replaced by G.
Protein change: p.Thr120Ser; replaces threonine 120 with serine.
Molecular consequence: missense variant.
Genome position (GRCh38, 1-based): chr10:69,572,685, G>C on the plus strand (C>G on the coding strand, the complement: NEUROG3 is on the minus strand). VCF-style: chr10-69572685-G-C. GRCh37 (hg19) VCF-style: chr10-71332441-G-C.
Other names: short protein forms T120S.
Identifiers: ClinVar variation 1394971 (VCV001394971.6), dbSNP rs969278453, ClinGen allele CA209280617.
Genomic context (GRCh38, chr10:69,572,685, plus strand): 5'-CGCAGCGTTTGAGTCAGCGCCCAGATGTAGTTGTGGGCGAAGCGCAGCGTCTCGATCTTG[G>C]TGAGCTTCGCGTCGTCTGGGAAGGTGGGCAGGACACCGCGCAGGGCGTCCAGTGCCGAGT-3'
Protein context (NP_066279.2, residues 110-130): LPTFPDDAKL[Thr120Ser]KIETLRFAHN